The following is an entry in ClinVar:

NM_006440.5(TXNRD2):c.789G>A (p.Met263Ile)

Gene: TXNRD2 (thioredoxin reductase 2; minus strand). Cytogenetic location: 22q11.21.
Variant type: single nucleotide variant.
Coding change: c.789G>A on transcript NM_006440.5 (MANE Select); coding-DNA position 789, G replaced by A.
Protein change: p.Met263Ile; replaces methionine 263 with isoleucine.
Molecular consequence: missense variant. On other transcripts: non-coding transcript variant (1).
Genome position (GRCh38, 1-based): chr22:19,895,567, C>T on the plus strand (G>A on the coding strand, the complement: TXNRD2 is on the minus strand). VCF-style: chr22-19895567-C-T. GRCh37 (hg19) VCF-style: chr22-19883090-C-T.
Other names: c.789G>A, p.Met263Ile (NM_001282512.3); c.786G>A, p.Met262Ile (NM_001352300.2); c.699G>A, p.Met233Ile (NM_001352301.2); c.501G>A, p.Met167Ile (NM_001352302.2); c.693G>A, p.Met231Ile (NM_001352303.2); c.789G>A (NM_006440.3); short protein forms M167I, M263I, M233I, M231I, M262I.
Identifiers: ClinVar variation 840418 (VCV000840418.8), dbSNP rs1939469611, ClinGen allele CA410686765.

ClinVar aggregate classification (germline): Uncertain significance. Review status: criteria provided, multiple submitters, no conflicts (2 of 4 stars). 2 submissions from 2 submitters: Uncertain significance (2). Last evaluated 2024-08-13.

Conditions:
Primary dilated cardiomyopathy (DCM). Also called: Dilated Cardiomyopathy. Identifiers: Orphanet 217604, MedGen C0007193, MeSH D002311, MONDO:0005021, HP:0001644. Inheritance: Various modes of inheritance.

Allele frequency attached by ClinVar (database versions not stated): gnomAD exomes 0.00001.
gnomAD v4.1: 10 of 1,612,004 alleles (0.00062%); highest among the groups gnomAD compares: Non-Finnish European, 0.00085%; no homozygotes.

Submissions (2):

GeneDx
Classification: Uncertain significance. Last evaluated: 2024-08-13. Review status: criteria provided, single submitter. Criteria: GeneDx Variant Classification Process June 2021. Collection method: clinical testing. Allele origin: germline. Affected: yes.
Comment: Not observed at significant frequency in large population cohorts (gnomAD); In silico analysis indicates that this missense variant does not alter protein structure/function; Has not been previously published as pathogenic or benign to our knowledge

Labcorp Genetics (formerly Invitae), Labcorp
Classification: Uncertain significance for Primary dilated cardiomyopathy. Last evaluated: 2023-06-18. Review status: criteria provided, single submitter. Criteria: Invitae Variant Classification Sherloc (09022015). Collection method: clinical testing. Allele origin: germline.
Comment: In summary, the available evidence is currently insufficient to determine the role of this variant in disease. Therefore, it has been classified as a Variant of Uncertain Significance. Advanced modeling of protein sequence and biophysical properties (such as structural, functional, and spatial information, amino acid conservation, physicochemical variation, residue mobility, and thermodynamic stability) performed at Invitae indicates that this missense variant is not expected to disrupt TXNRD2 protein function. ClinVar contains an entry for this variant (Variation ID: 840418). This variant has not been reported in the literature in individuals affected with TXNRD2-related conditions. This variant is not present in population databases (gnomAD no frequency). This sequence change replaces methionine, which is neutral and non-polar, with isoleucine, which is neutral and non-polar, at codon 263 of the TXNRD2 protein (p.Met263Ile).